The following is an entry in ClinVar:

NM_001079866.2(BCS1L):c.604_605insC (p.Val202fs)

Gene: BCS1L (BCS1 ubiquinol-cytochrome c reductase complex chaperone; plus strand). Cytogenetic location: 2q35.
Variant type: Insertion.
Coding change: c.604_605insC on transcript NM_001079866.2 (MANE Select); coding-DNA positions 604 to 605, C inserted.
Protein change: p.Val202fs; shifts the reading frame from valine 202.
Molecular consequence: frameshift variant. On other transcripts: non-coding transcript variant (1).
Genome position: GRCh38 VCF-style: chr2-218661902-G-GC. GRCh37 (hg19) VCF-style: chr2-219526625-G-GC.
Other names: c.604_605insC, p.Val202fs (NM_001257342.2, NM_001257343.2, NM_001257344.2 and 10 more transcripts); c.244_245insC, p.Val82fs (NM_001318836.2, NM_001371451.1); c.103_104insC, p.Val35fs (NM_001371452.1, NM_001371453.1, NM_001371454.1 and 3 more transcripts); short protein forms V202fs, V35fs, V82fs.
Identifiers: ClinVar variation 1726500 (VCV001726500.3), dbSNP rs2469881143, ClinGen allele CA2580065733.

ClinVar aggregate classification (germline): Likely pathogenic (1 of 4 stars; one submission).

Conditions:
BCS1L-related disorder. Also called: BCS1L-related disorders; BCS1L-related condition. Identifiers: MedGen CN239240.

Submission:

Myriad Genetics, Inc.
Classification: Likely pathogenic for BCS1L-related disorder. Last evaluated: 2021-12-17. Review status: criteria provided, single submitter. Criteria: Myriad Autosomal Dominant, Autosomal Recessive and X-Linked Classification Criteria (2023). Collection method: clinical testing. Allele origin: unknown.
Comment: NM_004328.4(BCS1L):c.604_605insC(V202Afs*10) is expected to be pathogenic in the context of BCS1L-related disorders. This variant is predicted to lead to an abnormal or absent protein product due to the creation of a premature termination codon in BCS1L, a gene where loss-of-function variants are known to be pathogenic. Please note: this variant was assessed in the context of healthy population screening.